The following is an entry in ClinVar:

ClinVar aggregate classification (germline): Uncertain significance. Review status: criteria provided, multiple submitters, no conflicts (2 of 4 stars). 3 submissions from 3 submitters: Uncertain significance (3). Last evaluated 2025-12-04.

Conditions:
PLXNA2-related disorder. Also called: PLXNA2-related condition.

Allele frequency attached by ClinVar (database versions not stated): TOPMed 0.00001; gnomAD exomes 0.00002; ExAC 0.00007.
gnomAD v4.1: 12 of 1,613,898 alleles (0.00074%); highest among the groups gnomAD compares: Admixed American, 0.02%; no homozygotes.

Submissions (3):

PreventionGenetics, part of Exact Sciences
Classification: Uncertain significance for PLXNA2-related condition. Last evaluated: 2025-12-04. Review status: criteria provided, single submitter. Criteria: ACMG Guidelines, 2015. Collection method: clinical testing. Allele origin: germline.
Comment: The PLXNA2 c.4964T>C variant is predicted to result in the amino acid substitution p.Val1655Ala. To our knowledge, this variant has not been reported in the literature. This variant is reported in 0.038% of alleles in individuals of Latino descent in gnomAD. At this time, the clinical significance of this variant is uncertain due to the absence of conclusive functional and genetic evidence.

Ambry Genetics
Classification: Uncertain significance. Last evaluated: 2025-08-13. Review status: criteria provided, single submitter. Criteria: Ambry Variant Classification Scheme 2023. Collection method: clinical testing. Allele origin: germline.

Labcorp Genetics (formerly Invitae), Labcorp
Classification: Uncertain significance. Last evaluated: 2025-03-09. Review status: criteria provided, single submitter. Criteria: Invitae Variant Classification Sherloc (09022015). Collection method: clinical testing. Allele origin: germline.
Comment: This sequence change replaces valine, which is neutral and non-polar, with alanine, which is neutral and non-polar, at codon 1655 of the PLXNA2 protein (p.Val1655Ala). This variant is present in population databases (rs763396411, gnomAD 0.04%). This variant has not been reported in the literature in individuals affected with PLXNA2-related conditions. ClinVar contains an entry for this variant (Variation ID: 2976610). Invitae Evidence Modeling of protein sequence and biophysical properties (such as structural, functional, and spatial information, amino acid conservation, physicochemical variation, residue mobility, and thermodynamic stability) indicates that this missense variant is expected to disrupt PLXNA2 protein function with a positive predictive value of 80%. In summary, the available evidence is currently insufficient to determine the role of this variant in disease. Therefore, it has been classified as a Variant of Uncertain Significance.

NM_025179.4(PLXNA2):c.4964T>C (p.Val1655Ala)

Gene: PLXNA2 (plexin A2; minus strand). Cytogenetic location: 1q32.2.
Variant type: single nucleotide variant.
Coding change: c.4964T>C on transcript NM_025179.4 (MANE Select); coding-DNA position 4964, T replaced by C.
Protein change: p.Val1655Ala; replaces valine 1655 with alanine.
Molecular consequence: missense variant.
Genome position (GRCh38, 1-based): chr1:208,033,410, A>G on the plus strand (T>C on the coding strand, the complement: PLXNA2 is on the minus strand). VCF-style: chr1-208033410-A-G. GRCh37 (hg19) VCF-style: chr1-208206755-A-G.
Other names: c.4964T>C (NM_025179.3); short protein forms V1655A.
Identifiers: ClinVar variation 2976610 (VCV002976610.6), dbSNP rs763396411, ClinGen allele CA1372704.